The following is an entry in ClinVar:

NM_000548.5(TSC2):c.4066G>A (p.Gly1356Ser)

Gene: TSC2 (TSC complex subunit 2; plus strand). Cytogenetic location: 16p13.3.
Variant type: single nucleotide variant.
Coding change: c.4066G>A on transcript NM_000548.5 (MANE Select); coding-DNA position 4066, G replaced by A.
Protein change: p.Gly1356Ser; replaces glycine 1356 with serine.
Molecular consequence: missense variant. On other transcripts: non-coding transcript variant (5).
Genome position (GRCh38, 1-based): chr16:2,084,288, G>A. VCF-style: chr16-2084288-G-A. GRCh37 (hg19) VCF-style: chr16-2134289-G-A.
Other names: c.3865G>A, p.Gly1289Ser (NM_001077183.3); c.3997G>A, p.Gly1333Ser (NM_001114382.3); c.3757G>A, p.Gly1253Ser (NM_001318827.2); c.3721G>A, p.Gly1241Ser (NM_001318829.2); c.3334G>A, p.Gly1112Ser (NM_001318831.2); c.3898G>A, p.Gly1300Ser (NM_001318832.2); c.3868G>A, p.Gly1290Ser (NM_001363528.2); c.3934G>A, p.Gly1312Ser (NM_001370404.1); and 26 more; short protein forms G1089S, G1112S, G1156S, G1253S, G1284S, G1285S, G1286S, G1313S.
Identifiers: ClinVar variation 2561947 (VCV002561947.2), dbSNP rs2544257595, ClinGen allele CA394299383.

ClinVar aggregate classification (germline): Uncertain significance (1 of 4 stars; one submission).

Conditions:
Hereditary cancer-predisposing syndrome. Also called: Neoplastic Syndromes, Hereditary; Hereditary Cancer Syndrome; Hereditary neoplastic syndrome; Tumor predisposition. Identifiers: Orphanet 140162, MedGen C0027672, MeSH D009386, MONDO:0015356.

Submission:

Ambry Genetics
Classification: Uncertain significance for Hereditary cancer-predisposing syndrome. Last evaluated: 2023-05-08. Review status: criteria provided, single submitter. Criteria: Ambry Variant Classification Scheme 2023. Collection method: clinical testing. Allele origin: germline.
Comment: The p.G1356S variant (also known as c.4066G>A), located in coding exon 33 of the TSC2 gene, results from a G to A substitution at nucleotide position 4066. The glycine at codon 1356 is replaced by serine, an amino acid with similar properties. This amino acid position is well conserved in available vertebrate species. In addition, the in silico prediction for this alteration is inconclusive. Since supporting evidence is limited at this time, the clinical significance of this alteration remains unclear.